The following is an entry in ClinVar:

NM_000443.4(ABCB4):c.1181del (p.Leu394fs)

Gene: ABCB4 (ATP binding cassette subfamily B member 4; minus strand). Cytogenetic location: 7q21.12.
Variant type: Deletion.
Coding change: c.1181del on transcript NM_000443.4 (MANE Select); coding-DNA position 1181, one base deleted (T; older notation c.1181delT).
Protein change: p.Leu394fs; shifts the reading frame from leucine 394.
Molecular consequence: frameshift variant.
Genome position (GRCh38, 1-based): chr7:87,443,712, A deleted on the plus strand (T on the coding strand, the reverse complement: ABCB4 is on the minus strand); the first of 3 consecutive A bases (chr7:87,443,712-87,443,714); deleting any one gives the same sequence. VCF-style (leftmost placement, unchanged base first): chr7-87443711-CA-C. GRCh37 (hg19) VCF-style: chr7-87073027-CA-C.
Other names: c.1181del, p.Leu394fs (NM_018849.3, NM_018850.3); short protein forms L394fs.
Identifiers: ClinVar variation 4846534 (VCV004846534.1).
Genomic context (GRCh38, chr7:87,443,711, plus strand): 5'-TACTTACAGTACCTTGACGTTAGCTCGAGAAGGGTAAGAAAAGTGAACATCATTGAACTC[CA>C]AATTCCCTTTGATGCTGTCTGGTTTGTGTCCTCTCTCTGAAAAACTGTCAATTTTAGGAT-3'

ClinVar aggregate classification (germline): Pathogenic (1 of 4 stars; one submission).

Conditions:
Familial intrahepatic cholestasis. Identifiers: Orphanet 284385, MedGen CN296401, MONDO:0017290.

Submission:

Genomenon, Inc
Classification: Pathogenic for Familial intrahepatic cholestasis. Last evaluated: 2026-04-14. Review status: criteria provided, single submitter. Criteria: Genomenon Sequence Variant Interpretation Standards - Updated. Collection method: curation. Allele origin: germline. Affected: yes.
Comment: ABCB4 p.Leu394TrpfsTer19 (c.1181del) is a frameshift variant that results in the production of a truncated protein which is predicted to undergo nonsense-mediated mRNA decay. This variant has been observed in at least one proband with an ABCB4-related disorder (PMID:34376370). It is absent or not present at a significant frequency in gnomAD. In conclusion, we classify ABCB4 p.Leu394TrpfsTer19 (c.1181del) as a pathogenic variant.

Literature cited by the submitters: PubMed 34376370.